The following is an entry in ClinVar:

ClinVar aggregate classification (germline): Likely pathogenic (1 of 4 stars; one submission).

Conditions:
Rare genetic deafness. Identifiers: Orphanet 96210, MedGen C5680250.

Allele frequency attached by ClinVar (database versions not stated): gnomAD exomes below 0.00001; gnomAD 0.00001; TOPMed 0.00001.
gnomAD v4.1: 3 of 1,386,508 alleles (0.00022%); highest among the groups gnomAD compares: African/African-American, 0.0047%; no homozygotes.

Submission:

Laboratory for Molecular Medicine, Mass General Brigham Personalized Medicine
Classification: Likely pathogenic for Rare genetic deafness. Last evaluated: 2016-10-06. Review status: criteria provided, single submitter. Criteria: LMM Criteria. Collection method: clinical testing. Allele origin: germline. Inheritance: Autosomal recessive inheritance. Observed: 1 variant allele.
Comment: The c.7621+2T>C variant in OTOG has not been previously reported in individuals with hearing loss. Data from large population studies is insufficient to assess the frequency of this variant. This variant occurs in the invariant region (+/- 1,2) of the splice consensus sequence and is predicted to cause altered splicin g leading to an abnormal or absent protein. Two loss of function variants in the OTOG gene have been reported to segregate with hearing loss in two families (Sc hraders 2012), and disruption of Otog in mice resulted in deafness supporting of a loss-of-function mechanism for the disease (Simmler 2000). In summary, althou gh additional evidence is required to strengthen the gene-disease association be tween OTOG and hearing loss, currently available data support that the c.7621+2T >C variant is likely pathogenic.

NM_001292063.2(OTOG):c.7585+2T>C

Gene: OTOG (otogelin; plus strand). Cytogenetic location: 11p15.1.
Variant type: single nucleotide variant.
Coding change: c.7585+2T>C on transcript NM_001292063.2 (MANE Select); the canonical splice donor site of the intron after coding-DNA position 7585, T replaced by C.
Molecular consequence: splice donor variant.
Genome position (GRCh38, 1-based): chr11:17,634,950, T>C. VCF-style: chr11-17634950-T-C. GRCh37 (hg19) VCF-style: chr11-17656497-T-C.
Other names: c.7621+2T>C (NM_001277269.2).
Identifiers: ClinVar variation 505310 (VCV000505310.5), dbSNP rs1401870617, ClinGen allele CA379812868.